The following is an entry in ClinVar:

NM_001379200.1(TBX1):c.794_798dup (p.Glu267fs)

Gene: TBX1 (T-box transcription factor 1; plus strand). Cytogenetic location: 22q11.21.
Variant type: Duplication.
Coding change: c.794_798dup on transcript NM_001379200.1 (MANE Select); coding-DNA positions 794 to 798, 5 bases duplicated (CCGAG; older notation c.794_798dupCCGAG).
Protein change: p.Glu267fs; shifts the reading frame from glutamic acid 267.
Molecular consequence: frameshift variant.
Genome position (GRCh38, 1-based): chr22:19,765,040-19,765,044, CCGAG duplicated; duplicating any 5 consecutive bases within chr22:19,765,039-19,765,044 gives the same sequence; the c. name uses the placement nearest the transcript's 3' end. VCF-style (leftmost placement, unchanged base first): chr22-19765038-T-TGCCGA. GRCh37 (hg19) VCF-style: chr22-19752561-T-TGCCGA.
Other names: c.767_771dup, p.Glu258fs (NM_005992.1, NM_080646.2, NM_080647.1); short protein forms E267fs, E258fs.
Identifiers: ClinVar variation 1402928 (VCV001402928.8), dbSNP rs2145835194, ClinGen allele CA2573131766.

ClinVar aggregate classification (germline): Pathogenic (1 of 4 stars; one submission).

Conditions:
DiGeorge syndrome. Also called: Catch22; THIRD AND FOURTH PHARYNGEAL POUCH SYNDROME. Identifiers: Orphanet 567, MedGen C0012236, MONDO:0008564, OMIM 188400.

Submission:

Labcorp Genetics (formerly Invitae), Labcorp
Classification: Pathogenic for DiGeorge syndrome. Last evaluated: 2021-04-16. Review status: criteria provided, single submitter. Criteria: Invitae Variant Classification Sherloc (09022015). Collection method: clinical testing. Allele origin: germline.
Comment: This variant is not present in population databases (ExAC no frequency). This sequence change creates a premature translational stop signal (p.Glu258Profs*60) in the TBX1 gene. It is expected to result in an absent or disrupted protein product. Loss-of-function variants in TBX1 are known to be pathogenic (PMID: 25860641, 29500247). This variant has been observed in individual(s) with clinical features of DiGeorge/velocardiofacial syndrome (Invitae). For these reasons, this variant has been classified as Pathogenic.

Literature cited by the submitters: PubMed 25860641; PubMed 29500247.